The following is an entry in ClinVar:

NM_000051.4(ATM):c.6576A>G (p.Ser2192=)

Genes: ATM (ATM serine/threonine kinase; plus strand), C11orf65 (chromosome 11 open reading frame 65; minus strand). Cytogenetic location: 11q22.3.
Variant type: single nucleotide variant.
Coding change: c.6576A>G on transcript NM_000051.4 (MANE Select); coding-DNA position 6576, A replaced by G.
Protein change: p.Ser2192=; no amino-acid change (serine 2192 retained).
Molecular consequence: synonymous variant. On other transcripts: intron variant (2).
Genome position (GRCh38, 1-based): chr11:108,325,313, A>G. VCF-style: chr11-108325313-A-G. GRCh37 (hg19) VCF-style: chr11-108196040-A-G.
Other names: c.6576A>G, p.Ser2192= (NM_001351834.2); c.641-16242T>C (NM_001330368.2); c.*38+9907T>C (NM_001351110.2).
Identifiers: ClinVar variation 1539393 (VCV001539393.10), dbSNP rs2136306809, ClinGen allele CA476744994.

ClinVar aggregate classification (germline): Benign/Likely benign. Review status: criteria provided, multiple submitters, no conflicts (2 of 4 stars). 3 submissions from 3 submitters: Benign (1); Likely benign (2). Last evaluated 2024-06-07.

Conditions:
Ataxia-telangiectasia syndrome (AT). Also called: LOUIS-BAR SYNDROME; Cerebello-oculocutaneous telangiectasia; Immunodeficiency with ataxia telangiectasia; Ataxia telangiectasia (A-T); Ataxia-telangiectasia, complementation group D; AT, COMPLEMENTATION GROUP C. Identifiers: Orphanet 100, MedGen C0004135, MONDO:0008840, OMIM 208900.
Hereditary cancer-predisposing syndrome. Also called: Neoplastic Syndromes, Hereditary; Tumor predisposition; Hereditary Cancer Syndrome; Hereditary neoplastic syndrome. Identifiers: Orphanet 140162, MedGen C0027672, MeSH D009386, MONDO:0015356.
Familial cancer of breast. Also called: BREAST CANCER, FAMILIAL; Hereditary breast cancer; hereditary breast carcinoma. Identifiers: Orphanet 227535, MedGen C0346153, MONDO:0016419, OMIM 114480. Disease mechanism: loss of function.

Submissions (3):

Myriad Genetics, Inc.
Classification: Benign for Familial cancer of breast. Last evaluated: 2024-06-07. Review status: criteria provided, single submitter. Criteria: Myriad Autosomal Dominant, Autosomal Recessive and X-Linked Classification Criteria (2023). Collection method: clinical testing. Allele origin: unknown.
Comment: This variant is considered benign. This variant is a silent/synonymous amino acid change and it is not expected to impact splicing.

Ambry Genetics
Classification: Likely benign for Hereditary cancer-predisposing syndrome. Last evaluated: 2023-02-15. Review status: criteria provided, single submitter. Criteria: Ambry Variant Classification Scheme 2023. Collection method: clinical testing. Allele origin: germline.

Labcorp Genetics (formerly Invitae), Labcorp
Classification: Likely benign for Ataxia-telangiectasia syndrome. Last evaluated: 2021-03-09. Review status: criteria provided, single submitter. Criteria: Invitae Variant Classification Sherloc (09022015). Collection method: clinical testing. Allele origin: germline.